The following is an entry in ClinVar:

ClinVar aggregate classification (germline): Uncertain significance (1 of 4 stars; one submission).

Submission:

Labcorp Genetics (formerly Invitae), Labcorp
Classification: Uncertain significance. Last evaluated: 2022-07-05. Review status: criteria provided, single submitter. Criteria: Invitae Variant Classification Sherloc (09022015). Collection method: clinical testing. Allele origin: germline.
Comment: This sequence change falls in intron 5 of the SEC61A1 gene. It does not directly change the encoded amino acid sequence of the SEC61A1 protein. This variant is not present in population databases (gnomAD no frequency). This variant has not been reported in the literature in individuals affected with SEC61A1-related conditions. ClinVar contains an entry for this variant (Variation ID: 1425052). Algorithms developed to predict the effect of sequence changes on RNA splicing suggest that this variant may create or strengthen a splice site. In summary, the available evidence is currently insufficient to determine the role of this variant in disease. Therefore, it has been classified as a Variant of Uncertain Significance.

NM_013336.4(SEC61A1):c.353-10_353-5del

Gene: SEC61A1 (SEC61 translocon subunit alpha 1; plus strand). Cytogenetic location: 3q21.3.
Variant type: Deletion.
Coding change: c.353-10_353-5del on transcript NM_013336.4 (MANE Select); 10 bases into the intron before coding-DNA position 353 through 5 bases into the intron before coding-DNA position 353, 6 bases deleted (TCAATT; older notation c.353-10_353-5delTCAATT).
Molecular consequence: intron variant.
Genome position (GRCh38, 1-based): chr3:128,060,092-128,060,097, TCAATT deleted; deleting any 6 consecutive bases within chr3:128,060,090-128,060,097 gives the same sequence; the c. name uses the placement nearest the transcript's 3' end. VCF-style (leftmost placement, unchanged base first): chr3-128060089-CTTTCAA-C. GRCh37 (hg19) VCF-style: chr3-127778932-CTTTCAA-C.
Identifiers: ClinVar variation 1425052 (VCV001425052.6), dbSNP rs2107644184, ClinGen allele CA2573136502.